The following is an entry in ClinVar:

ClinVar aggregate classification (germline): Uncertain significance. Review status: criteria provided, multiple submitters, no conflicts (2 of 4 stars). 2 submissions from 2 submitters: Uncertain significance (2). Last evaluated 2025-08-04.

Allele frequency attached by ClinVar (database versions not stated): gnomAD 0.00002; TOPMed 0.00002; ESP Exome Variant Server 0.00008.
gnomAD v4.1: 14 of 1,612,984 alleles (0.00087%); highest among the groups gnomAD compares: African/African-American, 0.0027%; no homozygotes.

Submissions (2):

Ambry Genetics
Classification: Uncertain significance. Last evaluated: 2025-08-04. Review status: criteria provided, single submitter. Criteria: Ambry Variant Classification Scheme 2023. Collection method: clinical testing. Allele origin: germline.

Labcorp Genetics (formerly Invitae), Labcorp
Classification: Uncertain significance. Last evaluated: 2022-06-08. Review status: criteria provided, single submitter. Criteria: Invitae Variant Classification Sherloc (09022015). Collection method: clinical testing. Allele origin: germline.
Comment: This sequence change replaces arginine, which is basic and polar, with lysine, which is basic and polar, at codon 133 of the SAMD11 protein (p.Arg133Lys). This variant is present in population databases (rs138268010, gnomAD 0.0009%). This variant has not been reported in the literature in individuals affected with SAMD11-related conditions. Algorithms developed to predict the effect of missense changes on protein structure and function are either unavailable or do not agree on the potential impact of this missense change (SIFT: "Deleterious"; PolyPhen-2: "Benign"; Align-GVGD: "Class C0"). In summary, the available evidence is currently insufficient to determine the role of this variant in disease. Therefore, it has been classified as a Variant of Uncertain Significance.

NM_001385641.1(SAMD11):c.935G>A (p.Arg312Lys)

Gene: SAMD11 (sterile alpha motif domain containing 11; plus strand). Cytogenetic location: 1p36.33.
Variant type: single nucleotide variant.
Coding change: c.935G>A on transcript NM_001385641.1 (MANE Select); coding-DNA position 935, G replaced by A.
Protein change: p.Arg312Lys; replaces arginine 312 with lysine.
Molecular consequence: missense variant.
Genome position (GRCh38, 1-based): chr1:935,864, G>A. VCF-style: chr1-935864-G-A. GRCh37 (hg19) VCF-style: chr1-871244-G-A.
Other names: c.935G>A, p.Arg312Lys (NM_001385640.1); c.398G>A, p.Arg133Lys (NM_152486.4); c.398G>A (NM_152486.2); short protein forms R312K, R133K.
Identifiers: ClinVar variation 1939045 (VCV001939045.6), dbSNP rs138268010, ClinGen allele CA502589.